The following is an entry in ClinVar:

NM_006612.6(KIF1C):c.3089G>A (p.Arg1030His)

Gene: KIF1C (kinesin family member 1C; plus strand). Cytogenetic location: 17p13.2.
Variant type: single nucleotide variant.
Coding change: c.3089G>A on transcript NM_006612.6 (MANE Select); coding-DNA position 3089, G replaced by A.
Protein change: p.Arg1030His; replaces arginine 1030 with histidine.
Molecular consequence: missense variant.
Genome position (GRCh38, 1-based): chr17:5,023,928, G>A. VCF-style: chr17-5023928-G-A. GRCh37 (hg19) VCF-style: chr17-4927223-G-A.
Other names: c.3089G>A (NM_006612.5); short protein forms R1030H.
Identifiers: ClinVar variation 2047886 (VCV002047886.3), dbSNP rs139120839, ClinGen allele CA8319480.

ClinVar aggregate classification (germline): Uncertain significance. Review status: criteria provided, multiple submitters, no conflicts (2 of 4 stars). 2 submissions from 2 submitters: Uncertain significance (2). Last evaluated 2022-04-22.

Conditions:
Inborn genetic diseases. Identifiers: MedGen C0950123, MeSH D030342.
Spastic ataxia 2. Also called: Ataxia, spastic, 2, autosomal recessive. Identifiers: Orphanet 397946, MedGen C1969796, MONDO:0012651, OMIM 611302.

Allele frequency attached by ClinVar (database versions not stated): gnomAD 0.00002; TOPMed 0.00003; ESP Exome Variant Server 0.00015.

Submissions (2):

Ambry Genetics
Classification: Uncertain significance for Inborn genetic diseases. Last evaluated: 2022-04-22. Review status: criteria provided, single submitter. Criteria: Ambry Variant Classification Scheme 2023. Collection method: clinical testing. Allele origin: germline.

Labcorp Genetics (formerly Invitae), Labcorp
Classification: Uncertain significance for Spastic ataxia 2. Last evaluated: 2021-12-24. Review status: criteria provided, single submitter. Criteria: Invitae Variant Classification Sherloc (09022015). Collection method: clinical testing. Allele origin: germline.
Comment: In summary, the available evidence is currently insufficient to determine the role of this variant in disease. Therefore, it has been classified as a Variant of Uncertain Significance. Algorithms developed to predict the effect of missense changes on protein structure and function are either unavailable or do not agree on the potential impact of this missense change (SIFT: "Deleterious"; PolyPhen-2: "Possibly Damaging"; Align-GVGD: "Class C0"). This variant has not been reported in the literature in individuals affected with KIF1C-related conditions. This variant is present in population databases (rs139120839, gnomAD 0.1%). This sequence change replaces arginine, which is basic and polar, with histidine, which is basic and polar, at codon 1030 of the KIF1C protein (p.Arg1030His).